The following is an entry in ClinVar:

NM_005751.5(AKAP9):c.7768A>T (p.Asn2590Tyr)

Gene: AKAP9 (A-kinase anchoring protein 9; plus strand). Cytogenetic location: 7q21.2.
Variant type: single nucleotide variant.
Coding change: c.7768A>T on transcript NM_005751.5 (MANE Select); coding-DNA position 7768, A replaced by T.
Protein change: p.Asn2590Tyr; replaces asparagine 2590 with tyrosine.
Molecular consequence: missense variant.
Genome position (GRCh38, 1-based): chr7:92,079,901, A>T. VCF-style: chr7-92079901-A-T. GRCh37 (hg19) VCF-style: chr7-91709215-A-T.
Other names: c.2413A>T, p.Asn805Tyr (NM_001379277.1); c.7744A>T, p.Asn2582Tyr (NM_147185.3); short protein forms N2582Y, N2590Y, N805Y.
Identifiers: ClinVar variation 3010465 (VCV003010465.4), dbSNP rs1209444839, ClinGen allele CA368136478.

ClinVar aggregate classification (germline): Uncertain significance. Review status: criteria provided, multiple submitters, no conflicts (2 of 4 stars). 2 submissions from 2 submitters: Uncertain significance (2). Last evaluated 2026-03-15.

Conditions:
Cardiovascular phenotype. Identifiers: MedGen CN230736.
Long QT syndrome (LQTS). Identifiers: MedGen C0023976, MeSH D008133, MONDO:0002442. Disease mechanism: loss of function. Inheritance: Various modes of inheritance.

Allele frequency attached by ClinVar (database versions not stated): gnomAD exomes 0.00001; TOPMed below 0.00001.
gnomAD v4.1: 10 of 1,613,854 alleles (0.00062%); highest among the groups gnomAD compares: South Asian, 0.0033%; 1 homozygote.

Submissions (2):

Ambry Genetics
Classification: Uncertain significance for Cardiovascular phenotype. Last evaluated: 2026-03-15. Review status: criteria provided, single submitter. Criteria: Ambry Variant Classification Scheme 2023. Collection method: clinical testing. Allele origin: germline.
Comment: The p.N2590Y variant (also known as c.7768A>T), located in coding exon 31 of the AKAP9 gene, results from an A to T substitution at nucleotide position 7768. The asparagine at codon 2590 is replaced by tyrosine, an amino acid with dissimilar properties. This amino acid position is conserved. In addition, this alteration is predicted to be tolerated by in silico analysis. Based on the available evidence, the clinical significance of this variant remains unclear.

Labcorp Genetics (formerly Invitae), Labcorp
Classification: Uncertain significance for Long QT syndrome. Last evaluated: 2023-07-07. Review status: criteria provided, single submitter. Criteria: Invitae Variant Classification Sherloc (09022015). Collection method: clinical testing. Allele origin: germline.
Comment: This sequence change replaces asparagine, which is neutral and polar, with tyrosine, which is neutral and polar, at codon 2590 of the AKAP9 protein (p.Asn2590Tyr). In summary, the available evidence is currently insufficient to determine the role of this variant in disease. Therefore, it has been classified as a Variant of Uncertain Significance. An algorithm developed to predict the effect of missense changes on protein structure and function (PolyPhen-2) suggests that this variant is likely to be disruptive. This variant has not been reported in the literature in individuals affected with AKAP9-related conditions. This variant is present in population databases (no rsID available, gnomAD 0.003%).